The following is an entry in ClinVar:

NM_000245.4(MET):c.1863-6T>C

Gene: MET (MET proto-oncogene, receptor tyrosine kinase; plus strand). Cytogenetic location: 7q31.2.
Variant type: single nucleotide variant.
Coding change: c.1863-6T>C on transcript NM_000245.4 (MANE Select); 6 bases into the intron before coding-DNA position 1863, T replaced by C.
Molecular consequence: intron variant.
Genome position (GRCh38, 1-based): chr7:116,757,431, T>C. VCF-style: chr7-116757431-T-C. GRCh37 (hg19) VCF-style: chr7-116397485-T-C.
Other names: c.1863-6T>C (NM_001127500.3, NM_001324401.3); c.573-6T>C (NM_001324402.2).
Identifiers: ClinVar variation 1102064 (VCV001102064.8), dbSNP rs1168220004, ClinGen allele CA577680583.
Genomic context (GRCh38, chr7:116,757,431, plus strand): 5'-ATAAAACAACCTAACCAGAAAATTCCTTGGATTTGTCATGTATTAAACTTTGGGTTTTTT[T>C]TCCAGATTGAAATGCACAGTTGGTCCTGCCATGAATAAGCATTTCAATATGTCCATAATT-3'

ClinVar aggregate classification (germline): Likely benign. Review status: criteria provided, multiple submitters, no conflicts (2 of 4 stars). 2 submissions from 2 submitters: Likely benign (2). Last evaluated 2025-12-14.

Conditions:
Papillary renal cell carcinoma type 1 (RCCP1). Also called: RENAL CELL CARCINOMA, PAPILLARY, 1, SOMATIC; Renal adenocarcinoma; Renal cell carcinoma 1; Renal cell carcinoma, somatic. Identifiers: Orphanet 47044, MedGen C1336839, OMIM 605074, HP:0011797.
Renal cell carcinoma. Identifiers: Orphanet 217071, MedGen C0007134, MeSH D002292, MONDO:0005086, HP:0005584.

Allele frequency attached by ClinVar (database versions not stated): gnomAD exomes below 0.00001; gnomAD 0.00001; TOPMed 0.00001.
gnomAD v4.1: 3 of 1,612,192 alleles (0.00019%); highest among the groups gnomAD compares: African/African-American, 0.004%; no homozygotes.

Submissions (2):

Labcorp Genetics (formerly Invitae), Labcorp
Classification: Likely benign for Renal cell carcinoma. Last evaluated: 2025-12-14. Review status: criteria provided, single submitter. Criteria: Invitae Variant Classification Sherloc (09022015). Collection method: clinical testing. Allele origin: germline.

Myriad Genetics, Inc.
Classification: Likely benign for Papillary renal cell carcinoma type 1. Last evaluated: 2024-11-08. Review status: criteria provided, single submitter. Criteria: Myriad Autosomal Dominant, Autosomal Recessive and X-Linked Classification Criteria (2023). Collection method: clinical testing. Allele origin: unknown.
Comment: This variant is considered likely benign. This variant is intronic and is not expected to impact mRNA splicing.